The following is an entry in ClinVar:

ClinVar aggregate classification (germline): Pathogenic. Review status: criteria provided, multiple submitters, no conflicts (2 of 4 stars). 9 submissions from 9 submitters: Pathogenic (7). 2 of the submissions do not count toward it. Last evaluated 2026-08-07.

Conditions:
Severe intellectual disability-progressive spastic diplegia syndrome (NEDSDV). Also called: NEURODEVELOPMENTAL DISORDER WITH SPASTIC DIPLEGIA AND VISUAL DEFECTS; CTNNB1 Neurodevelopmental Disorder. Identifiers: Orphanet 404473, MedGen C3554449, MONDO:0014035, OMIM 615075.
Inborn genetic diseases. Identifiers: MedGen C0950123, MeSH D030342.

Submissions (9):

GeneDx
Classification: Pathogenic. Last evaluated: 2026-08-07. Review status: criteria provided, single submitter. Criteria: GeneDx Variant Classification Process June 2021. Collection method: clinical testing. Allele origin: germline.
Comment: Nonsense variant predicted to result in protein truncation or nonsense mediated decay in a gene for which loss of function is a known mechanism of disease; Not observed at significant frequency in large population cohorts (gnomAD); This variant is associated with the following publications: (PMID: 39843441, 40240530, 36083290, 36153650, 33004838, 28191889)

Ambry Genetics
Classification: Pathogenic for Inborn genetic diseases. Last evaluated: 2026-01-23. Review status: criteria provided, single submitter. Criteria: Ambry Variant Classification Scheme 2023. Collection method: clinical testing. Allele origin: germline.
Comment: The c.268C>T (p.R90*) alteration, located in exon 4 (coding exon 3) of the CTNNB1 gene, consists of a C to T substitution at nucleotide position 268. This changes the amino acid from an arginine (R) to a stop codon at amino acid position 90. This variant is expected to result in loss of function by premature protein truncation or nonsense-mediated mRNA decay. This variant was not reported in population-based cohorts in the Genome Aggregation Database (gnomAD). This variant was reported in individual(s) with features consistent with CTNNB1-related neurodevelopmental disorder +/- exudative vitreoretinopathy; in at least one individual, it was determined to be de novo (Kayumi, 2022; Yan, 2022; Ambry internal data). Based on the available evidence, this alteration is classified as pathogenic.

Dasa
Classification: Pathogenic. Last evaluated: 2025-09-25. Review status: criteria provided, single submitter. Criteria: DASA Assertion Criteria. Collection method: clinical testing. Allele origin: germline.
Comment: NM_001904.4(CTNNB1):c.268C>T (p.Arg90*) introduces a premature termination codon predicted to result in loss of normal protein function. Loss-of-function is an established mechanism of disease for this gene. De novo occurrence has been reported in an individual with related phenotype. This variant has been recurrently observed in individuals with related phenotype (PMID: 36083290; PMID: 36153650). The variant is present at low frequency in population datasets. Based on the available data, this variant is classified as pathogenic.

Labcorp Genetics (formerly Invitae), Labcorp
Classification: Pathogenic. Last evaluated: 2022-12-06. Review status: criteria provided, single submitter. Criteria: Invitae Variant Classification Sherloc (09022015). Collection method: clinical testing. Allele origin: germline.
Comment: Algorithms developed to predict the effect of sequence changes on RNA splicing suggest that this variant may create or strengthen a splice site. This sequence change creates a premature translational stop signal (p.Arg90*) in the CTNNB1 gene. It is expected to result in an absent or disrupted protein product. Loss-of-function variants in CTNNB1 are known to be pathogenic (PMID: 23033978, 24614104, 25326669, 26350204, 28575650). This variant is not present in population databases (gnomAD no frequency). ClinVar contains an entry for this variant (Variation ID: 253000). This premature translational stop signal has been observed in individual(s) with neurodevelopmental disorder (PMID: 28191889, 33004838). For these reasons, this variant has been classified as Pathogenic.

CeGaT Center for Human Genetics Tuebingen
Classification: Pathogenic. Last evaluated: 2020-10-01. Review status: criteria provided, single submitter. Criteria: CeGaT Center For Human Genetics Tuebingen Variant Classification Criteria Version 2. Collection method: clinical testing. Allele origin: germline. Affected: yes. Observed: 1 variant allele.

Center of Genomic medicine, Geneva, University Hospital of Geneva
Classification: Pathogenic for Severe intellectual disability-progressive spastic diplegia syndrome. Last evaluated: 2016-04-27. Review status: criteria provided, single submitter. Criteria: ACMG Guidelines, 2015. Collection method: clinical testing. Allele origin: de novo. Affected: yes. Study: Final Reports_Cases2015_1.

Laboratoire de Génétique Moléculaire, CHU Bordeaux
Classification: Pathogenic. Review status: criteria provided, single submitter. Criteria: ACMG Guidelines, 2015. Collection method: clinical testing. Allele origin: germline. Affected: yes.

Clinical Genetics DNA and cytogenetics Diagnostics Lab, Erasmus MC, Erasmus Medical Center
Classification: Pathogenic. Review status: no assertion criteria provided. Collection method: clinical testing. Allele origin: germline. Affected: yes. Study: VKGL Data-share Consensus. Not counted in ClinVar's aggregate classification.

Joint Genome Diagnostic Labs from Nijmegen and Maastricht, Radboudumc and MUMC+
Classification: Pathogenic. Review status: no assertion criteria provided. Collection method: clinical testing. Allele origin: germline. Affected: yes. Study: VKGL Data-share Consensus. Not counted in ClinVar's aggregate classification.

Literature cited by the submitters: PubMed 36083290 (cited by Ambry Genetics and Dasa); PubMed 36153650 (cited by Ambry Genetics and Dasa); PubMed 23033978 (cited by Labcorp Genetics (formerly Invitae), Labcorp); PubMed 24614104 (cited by Labcorp Genetics (formerly Invitae), Labcorp); PubMed 25326669 (cited by Labcorp Genetics (formerly Invitae), Labcorp); PubMed 26350204 (cited by Labcorp Genetics (formerly Invitae), Labcorp); PubMed 28575650 (cited by Labcorp Genetics (formerly Invitae), Labcorp); PubMed 28191889 (cited by Labcorp Genetics (formerly Invitae), Labcorp); PubMed 33004838 (cited by Labcorp Genetics (formerly Invitae), Labcorp).

NM_001904.4(CTNNB1):c.268C>T (p.Arg90Ter)

Genes: CTNNB1 (catenin beta 1; plus strand), LOC126806658 (BRD4-independent group 4 enhancer GRCh37_chr3:41265899-41267098; plus strand). Cytogenetic location: 3p22.1.
Variant type: single nucleotide variant.
Coding change: c.268C>T on transcript NM_001904.4 (MANE Select); coding-DNA position 268, C replaced by T.
Protein change: p.Arg90Ter; replaces arginine 90 with a stop codon.
Molecular consequence: nonsense.
Genome position (GRCh38, 1-based): chr3:41,224,980, C>T. VCF-style: chr3-41224980-C-T. GRCh37 (hg19) VCF-style: chr3-41266471-C-T.
Other names: c.268C>T, p.Arg90Ter (NM_001098209.2, NM_001098210.2); c.247C>T, p.Arg83Ter (NM_001330729.2); short protein forms R90*, R83*.
Identifiers: ClinVar variation 253000 (VCV000253000.54), dbSNP rs1369821061, ClinGen allele CA10586151.